The following is an entry in ClinVar:

ClinVar aggregate classification (germline): Uncertain significance (1 of 4 stars; one submission).

Submission:

Labcorp Genetics (formerly Invitae), Labcorp
Classification: Uncertain significance. Last evaluated: 2025-06-12. Review status: criteria provided, single submitter. Criteria: Invitae Variant Classification Sherloc (09022015). Collection method: clinical testing. Allele origin: germline.
Comment: This sequence change falls in intron 12 of the PTDSS1 gene. It does not directly change the encoded amino acid sequence of the PTDSS1 protein. This variant is not present in population databases (gnomAD no frequency). This variant has not been reported in the literature in individuals affected with PTDSS1-related conditions. ClinVar contains an entry for this variant (Variation ID: 2697474). Algorithms developed to predict the effect of sequence changes on RNA splicing suggest that this variant may disrupt the consensus splice site. In summary, the available evidence is currently insufficient to determine the role of this variant in disease. Therefore, it has been classified as a Variant of Uncertain Significance.

NM_014754.3(PTDSS1):c.1313-18T>G

Gene: PTDSS1 (phosphatidylserine synthase 1; plus strand). Cytogenetic location: 8q22.1.
Variant type: single nucleotide variant.
Coding change: c.1313-18T>G on transcript NM_014754.3 (MANE Select); 18 bases into the intron before coding-DNA position 1313, T replaced by G.
Molecular consequence: intron variant.
Genome position (GRCh38, 1-based): chr8:96,333,439, T>G. VCF-style: chr8-96333439-T-G. GRCh37 (hg19) VCF-style: chr8-97345667-T-G.
Other names: c.875-18T>G (NM_001290225.2).
Identifiers: ClinVar variation 2697474 (VCV002697474.3), dbSNP rs1188497654, ClinGen allele CA2697549999.